The following is an entry in ClinVar:

NM_194277.3(FRMD7):c.1576A>G (p.Thr526Ala)

Gene: FRMD7 (FERM domain containing 7; minus strand). Cytogenetic location: Xq26.2.
Variant type: single nucleotide variant.
Coding change: c.1576A>G on transcript NM_194277.3 (MANE Select); coding-DNA position 1576, A replaced by G.
Protein change: p.Thr526Ala; replaces threonine 526 with alanine.
Molecular consequence: missense variant.
Genome position (GRCh38, 1-based): chrX:132,078,441, T>C on the plus strand (A>G on the coding strand, the complement: FRMD7 is on the minus strand). VCF-style: chrX-132078441-T-C. GRCh37 (hg19) VCF-style: chrX-131212469-T-C.
Other names: c.1531A>G, p.Thr511Ala (NM_001306193.2); short protein forms T526A, T511A.
Identifiers: ClinVar variation 3644528 (VCV003644528.2).
Genomic context (GRCh38, chrX:132,078,441, plus strand): 5'-CTTGCTGAAAGCTCTTCATTCTGATATTCCTTGGGCTTCTTTCAGCTGGCTTCATTGCAG[T>C]GGGCTCTACATAGCTATGTGGACTTGTCCTTTCCTCTGCTCTAATTGGGGACCATCTGGG-3'
Protein context (NP_919253.1, residues 516-536): RTSPHSYVEP[Thr526Ala]AMKPAERSPR

ClinVar aggregate classification (germline): Uncertain significance (1 of 4 stars; one submission).

Submission:

Labcorp Genetics (formerly Invitae), Labcorp
Classification: Uncertain significance. Last evaluated: 2024-03-04. Review status: criteria provided, single submitter. Criteria: Invitae Variant Classification Sherloc (09022015). Collection method: clinical testing. Allele origin: germline.
Comment: This sequence change replaces threonine, which is neutral and polar, with alanine, which is neutral and non-polar, at codon 526 of the FRMD7 protein (p.Thr526Ala). This variant is not present in population databases (gnomAD no frequency). This variant has not been reported in the literature in individuals affected with FRMD7-related conditions. Algorithms developed to predict the effect of missense changes on protein structure and function output the following: SIFT: "Not Available"; PolyPhen-2: "Benign"; Align-GVGD: "Not Available". The alanine amino acid residue is found in multiple mammalian species, which suggests that this missense change does not adversely affect protein function. In summary, the available evidence is currently insufficient to determine the role of this variant in disease. Therefore, it has been classified as a Variant of Uncertain Significance.